The following continues an entry in ClinVar:

NM_000277.3(PAH):c.781C>T (p.Arg261Ter)

Gene: PAH. ClinVar aggregate classification (germline): Pathogenic. Pathogenic (1).

Submissions 15 to 24 of 24:

GeneDx
Classification: Pathogenic. Last evaluated: 2020-11-17. Review status: criteria provided, single submitter. Criteria: GeneDx Variant Classification Process June 2021. Collection method: clinical testing. Allele origin: germline. Affected: yes. Not counted in ClinVar's aggregate classification.
Comment: Functional analysis found that R261X is associated with significantly reduced enzyme activity (Zurflh et al., 2008; Ho et al., 2013); Not observed at a significant frequency in large population cohorts (Lek et al., 2016); Nonsense variant predicted to result in protein truncation or nonsense mediated decay in a gene for which loss-of-function is a known mechanism of disease; Classified as not responsive to tetrahydrobiopterin (BH4) therapy (Zurflh et al., 2008); This variant is associated with the following publications: (PMID: 30747360, 25525159, 12655553, 10693064, 23500595, 17935162, 24401910, 1682234, 23532445, 28676969, 15503242, 19062537, 30067850, 29499199, 30221392, 31355225, 30275481, 31589614, 33101986)

Quest Diagnostics Nichols Institute San Juan Capistrano
Classification: Pathogenic. Last evaluated: 2020-11-12. Review status: criteria provided, single submitter. Criteria: Quest Diagnostics criteria. Collection method: clinical testing. Allele origin: unknown. Not counted in ClinVar's aggregate classification.
Comment: This nonsense variant causes the premature termination of PAH protein synthesis. In addition, it has been reported in multiple classic and mild PKU patients in the published literature (PMID: 16601866 (2006), 16755493 (2006), 19394257 (2009), 20920871 (2011), 22841515 (2012), 30067850 (2018)). Therefore, the variant is classified as pathogenic.

CeGaT Center for Human Genetics Tuebingen
Classification: Pathogenic. Last evaluated: 2019-01-01. Review status: criteria provided, single submitter. Criteria: CeGaT Center For Human Genetics Tuebingen Variant Classification Criteria Version 2. Collection method: clinical testing. Allele origin: germline. Affected: yes. Observed: 1 variant allele. Not counted in ClinVar's aggregate classification.

Women's Health and Genetics/Laboratory Corporation of America, LabCorp
Classification: Pathogenic for Phenylketonuria. Last evaluated: 2018-08-03. Review status: criteria provided, single submitter. Criteria: LabCorp Variant Classification Summary - May 2015. Collection method: clinical testing. Allele origin: germline. Not counted in ClinVar's aggregate classification.
Comment: Variant summary: PAH c.781C>T (p.Arg261X) results in a premature termination codon, predicted to cause a truncation of the encoded protein or absence of the protein due to nonsense mediated decay, which are commonly known mechanisms for disease. The variant allele was found at a frequency of 2.2e-05 in 277050 control chromosomes. c.781C>T has been reported in the literature in numerous individuals affected with Phenylalanine Hydroxylase Deficiency (Phenylketonuria). These data indicate that the variant is very likely to be associated with disease. At least one publication reports experimental evidence evaluating an impact on protein function. The most pronounced variant effect results in <10% of normal activity (Zurfluh_2008). Three clinical diagnostic laboratories have submitted clinical-significance assessments for this variant to ClinVar after 2014 without evidence for independent evaluation. All laboratories classified the variant as pathogenic. Based on the evidence outlined above, the variant was classified as pathogenic.

Eurofins Ntd Llc (ga)
Classification: Pathogenic. Last evaluated: 2015-02-23. Review status: criteria provided, single submitter. Criteria: EGL Classification Definitions 2015. Collection method: clinical testing. Allele origin: germline. Observed: 4 variant alleles, 4 heterozygotes. Not counted in ClinVar's aggregate classification.

Juno Genomics, Hangzhou Juno Genomics, Inc
Classification: Pathogenic for Phenylketonuria. Review status: criteria provided, single submitter. Criteria: ACMG Guidelines, 2015. Collection method: clinical testing. Allele origin: germline. Affected: yes. Not counted in ClinVar's aggregate classification.
Comment: Absent from controls (or at extremely low frequency if recessive) in Genome Aggregation Database, Exome Sequencing Project, 1000 Genomes Project, or Exome Aggregation Consortium.;Null variant in a gene where loss of function (LOF) is a known mechanism of disease.;For recessive disorders, detected in trans with a pathogenic variant.;Patient's phenotype or family history is highly specific for a disease with a single genetic etiology.

Kariminejad - Najmabadi Pathology & Genetics Center
Classification: Pathogenic for Phenylketonuria. Review status: criteria provided, single submitter. Criteria: ACMG Guidelines, 2015. Collection method: clinical testing. Allele origin: germline. Affected: no. Not counted in ClinVar's aggregate classification.

Counsyl
Classification: Pathogenic for Phenylketonuria. Last evaluated: 2016-01-21. Review status: no assertion criteria provided. Collection method: clinical testing. Allele origin: unknown. Not counted in ClinVar's aggregate classification.

OMIM
Classification: Pathogenic for PHENYLKETONURIA. Last evaluated: 1991-10-01. Review status: no assertion criteria provided. Collection method: literature only. Allele origin: germline. Not counted in ClinVar's aggregate classification.

DeBelle Laboratory for Biochemical Genetics, MUHC/MCH RESEARCH INSTITUTE
No classification provided. Review status: no classification provided. Collection method: not provided. Allele origin: not provided. Not counted in ClinVar's aggregate classification.

Literature cited by the submitters: PubMed 11385716 (cited by 5 submitters); PubMed 1682234 (cited by 3 submitters); PubMed 30067850 (cited by 4 submitters); PubMed 26666653 (cited by Natera, Inc.); PubMed 20920871 (cited by 4 submitters); PubMed 1301187 (cited by Labcorp Genetics (formerly Invitae), Labcorp); PubMed 9634518 (cited by Labcorp Genetics (formerly Invitae), Labcorp); PubMed 23716935 (cited by Dasa); PubMed 24048906 (cited by 3 submitters); PubMed 26413448 (cited by Dasa); PubMed 28676969 (cited by Dasa); PubMed 36046396 (cited by Dasa); PubMed 24401910 (cited by 4 submitters); PubMed 34828281 (cited by Mayo Clinic Laboratories, Mayo Clinic); PubMed 26351554 (cited by Cellular and Molecular Research Center, Cellular and Molecular Medicine Research Institute,, Urmia University of Medical Sciences); PubMed 23500595 (cited by Quest Diagnostics Nichols Institute San Juan Capistrano and Counsyl); PubMed 22841515 (cited by Quest Diagnostics Nichols Institute San Juan Capistrano and Women's Health and Genetics/Laboratory Corporation of America, LabCorp); PubMed 19394257 (cited by Quest Diagnostics Nichols Institute San Juan Capistrano and Counsyl); PubMed 16755493 (cited by Quest Diagnostics Nichols Institute San Juan Capistrano and Counsyl); PubMed 16601866 (cited by Quest Diagnostics Nichols Institute San Juan Capistrano and Counsyl); PubMed 11588399 (cited by Women's Health and Genetics/Laboratory Corporation of America, LabCorp); PubMed 17935162 (cited by Women's Health and Genetics/Laboratory Corporation of America, LabCorp and Counsyl); PubMed 12655553 (cited by Counsyl); PubMed 10598814 (cited by Counsyl); PubMed 12765842 (cited by Counsyl); PubMed 15503242 (cited by Counsyl); PubMed 19062537 (cited by Counsyl); PubMed 10693064 (cited by Counsyl); PubMed 11180595 (cited by Counsyl); PubMed 16879198 (cited by Counsyl); PubMed 25525159 (cited by Counsyl); PubMed 12409276 (cited by Counsyl); PubMed 1769645 (cited by OMIM).